The following is an entry in ClinVar:

NM_007294.4(BRCA1):c.3972del (p.Met1324fs)

Genes: BRCA1 (BRCA1 DNA repair associated; minus strand), LOC126862571 (BRD4-independent group 4 enhancer GRCh37_chr17:41243136-41244335; plus strand). Cytogenetic location: 17q21.31.
Variant type: Deletion.
Coding change: c.3972del on transcript NM_007294.4 (MANE Select); coding-DNA position 3972, one base deleted (G; older notation c.3972delG).
Protein change: p.Met1324fs; shifts the reading frame from methionine 1324.
Molecular consequence: frameshift variant. On other transcripts: intron variant (135).
Genome position (GRCh38, 1-based): chr17:43,091,559, C deleted on the plus strand (G on the coding strand, the reverse complement: BRCA1 is on the minus strand). VCF-style (leftmost placement, unchanged base first): chr17-43091558-TC-T. GRCh37 (hg19) VCF-style: chr17-41243575-TC-T.
Other names: 4091delG; c.3759del, p.Met1253fs (NM_001407571.1, NM_001407853.1, NM_001407894.1 and 9 more transcripts); c.3972del, p.Met1324fs (NM_001407581.1, NM_001407598.1, NM_001407602.1 and 30 more transcripts); c.3969del, p.Met1323fs (NM_001407610.1, NM_001407611.1, NM_001407612.1 and 22 more transcripts); c.3963del, p.Met1321fs (NM_001407646.1, NM_001407647.1); c.3849del, p.Met1283fs (NM_001407648.1, NM_001407664.1, NM_001407665.1 and 19 more transcripts); c.3846del, p.Met1282fs (NM_001407649.1, NM_001407670.1, NM_001407671.1 and 11 more transcripts); c.3894del, p.Met1298fs (NM_001407653.1, NM_001407654.1, NM_001407655.1 and 4 more transcripts); and 42 more; short protein forms M1324fs, M1277fs, M1254fs, M1028fs, M1235fs, M1236fs, M1256fs, M1276fs.
Identifiers: ClinVar variation 55065 (VCV000055065.3), dbSNP rs80357987, ClinGen allele CA002548.

ClinVar aggregate classification (germline): Pathogenic. Review status: reviewed by expert panel (3 of 4 stars). 2 submissions from 2 submitters: Pathogenic (1). 1 of the submissions does not count toward it. Last evaluated 2016-09-08.

Conditions:
Breast-ovarian cancer, familial, susceptibility to, 1 (BROVCA1). Also called: BRCA1 Hereditary Breast and Ovarian Cancer; OVARIAN CANCER, SUSCEPTIBILITY TO. Identifiers: Orphanet 145, MedGen C2676676, MONDO:0011450, OMIM 604370. Disease mechanism: loss of function.

Submissions (2):

Evidence-based Network for the Interpretation of Germline Mutant Alleles (ENIGMA)
Classification: Pathogenic for Breast-ovarian cancer, familial, susceptibility to, 1. Last evaluated: 2016-09-08. Review status: reviewed by expert panel. Criteria: ENIGMA BRCA1/2 Classification Criteria (2015). Collection method: curation. Allele origin: germline.
Comment: Variant allele predicted to encode a truncated non-functional protein.

Breast Cancer Information Core (BIC) (BRCA1)
Classification: Pathogenic for Breast-ovarian cancer, familial 1. Last evaluated: 1997-08-26. Review status: no assertion criteria provided. Collection method: clinical testing. Allele origin: germline. Affected: yes. Observed: 2 variant alleles. Not counted in ClinVar's aggregate classification.